The following is an entry in ClinVar:

ClinVar aggregate classification (germline): Uncertain significance. Review status: criteria provided, multiple submitters, no conflicts (2 of 4 stars). 2 submissions from 2 submitters: Uncertain significance (2). Last evaluated 2022-02-18.

Allele frequency attached by ClinVar (database versions not stated): gnomAD 0.00001 and 0.00002; ExAC 0.00007; gnomAD exomes 0.00007.
gnomAD v4.1: 57 of 1,613,106 alleles (0.0035%); highest among the groups gnomAD compares: South Asian, 0.023%; no homozygotes.

Submissions (2):

Women's Health and Genetics/Laboratory Corporation of America, LabCorp
Classification: Uncertain significance. Last evaluated: 2022-02-18. Review status: criteria provided, single submitter. Criteria: LabCorp Variant Classification Summary - May 2015. Collection method: clinical testing. Allele origin: germline.

Labcorp Genetics (formerly Invitae), Labcorp
Classification: Uncertain significance. Last evaluated: 2021-08-31. Review status: criteria provided, single submitter. Criteria: Invitae Variant Classification Sherloc (09022015). Collection method: clinical testing. Allele origin: germline.
Comment: This sequence change replaces serine with arginine at codon 313 of the EYS protein (p.Ser313Arg). The serine residue is moderately conserved and there is a moderate physicochemical difference between serine and arginine. This variant is present in population databases (rs774342993, ExAC 0.04%). This variant has not been reported in the literature in individuals affected with EYS-related conditions. Algorithms developed to predict the effect of missense changes on protein structure and function are either unavailable or do not agree on the potential impact of this missense change (SIFT: "Tolerated"; PolyPhen-2: "Possibly Damaging"; Align-GVGD: "Class C0"). Algorithms developed to predict the effect of sequence changes on RNA splicing suggest that this variant may create or strengthen a splice site. In summary, the available evidence is currently insufficient to determine the role of this variant in disease. Therefore, it has been classified as a Variant of Uncertain Significance.

NM_001142800.2(EYS):c.939T>G (p.Ser313Arg)

Gene: EYS (eyes shut homolog; minus strand). Cytogenetic location: 6q12.
Variant type: single nucleotide variant.
Coding change: c.939T>G on transcript NM_001142800.2 (MANE Select); coding-DNA position 939, T replaced by G.
Protein change: p.Ser313Arg; replaces serine 313 with arginine.
Molecular consequence: missense variant.
Genome position (GRCh38, 1-based): chr6:65,405,291, A>C on the plus strand (T>G on the coding strand, the complement: EYS is on the minus strand). VCF-style: chr6-65405291-A-C. GRCh37 (hg19) VCF-style: chr6-66115184-A-C.
Other names: c.939T>G, p.Ser313Arg (NM_001142801.2, NM_001292009.2, NM_198283.2); short protein forms S313R.
Identifiers: ClinVar variation 1343523 (VCV001343523.3), dbSNP rs774342993, ClinGen allele CA3877920.
Genomic context (GRCh38, chr6:65,405,291, plus strand): 5'-GACATCAGTTTCACCATTTTGGCTGGAAGATCCTTTTGGGCATTCATAAGTATAAGCAGA[A>C]CTGCTATTTGGGCAAATTCCTCTTTTCCAAAAAAGCAGAGAAACACAAGGTTTTGCTGAC-3'
Protein context (NP_001136272.1, residues 303-323): FWKRGICPNS[Ser313Arg]SAYTYECPKG